The following is an entry in ClinVar:

NM_014639.4(SKIC3):c.1166del (p.Leu389fs)

Gene: SKIC3 (SKI3 subunit of superkiller complex; minus strand). Cytogenetic location: 5q15.
Variant type: Deletion.
Coding change: c.1166del on transcript NM_014639.4 (MANE Select); coding-DNA position 1166, one base deleted (T; older notation c.1166delT).
Protein change: p.Leu389fs; shifts the reading frame from leucine 389.
Molecular consequence: frameshift variant.
Genome position (GRCh38, 1-based): chr5:95,525,642, A deleted on the plus strand (T on the coding strand, the reverse complement: SKIC3 is on the minus strand); the first of 4 consecutive A bases (chr5:95,525,642-95,525,645); deleting any one gives the same sequence. VCF-style (leftmost placement, unchanged base first): chr5-95525641-CA-C. GRCh37 (hg19) VCF-style: chr5-94861345-CA-C.
Other names: c.1166delT (NM_014639.3); short protein forms L389fs.
Identifiers: ClinVar variation 2168837 (VCV002168837.5), dbSNP rs1389762829, ClinGen allele CA815777072.

ClinVar aggregate classification (germline): Pathogenic/Likely pathogenic. Review status: criteria provided, multiple submitters, no conflicts (2 of 4 stars). 2 submissions from 2 submitters: Pathogenic (1); Likely pathogenic (1). Last evaluated 2024-03-15.

Conditions:
Trichohepatoenteric syndrome. Also called: Syndromic diarrhea; Tricho-hepato-enteric syndrome; THE SYNDROME. Identifiers: Orphanet 84064, MedGen C1857276, MONDO:0009105.

Submissions (2):

Labcorp Genetics (formerly Invitae), Labcorp
Classification: Pathogenic. Last evaluated: 2024-03-15. Review status: criteria provided, single submitter. Criteria: Invitae Variant Classification Sherloc (09022015). Collection method: clinical testing. Allele origin: germline.
Comment: This sequence change creates a premature translational stop signal (p.Leu389Trpfs*31) in the TTC37 gene. It is expected to result in an absent or disrupted protein product. Loss-of-function variants in TTC37 are known to be pathogenic (PMID: 20176027, 21120949). This variant is not present in population databases (gnomAD no frequency). This variant has not been reported in the literature in individuals affected with TTC37-related conditions. ClinVar contains an entry for this variant (Variation ID: 2168837). For these reasons, this variant has been classified as Pathogenic.

Women's Health and Genetics/Laboratory Corporation of America, LabCorp
Classification: Likely pathogenic for Trichohepatoenteric syndrome. Last evaluated: 2023-03-21. Review status: criteria provided, single submitter. Criteria: LabCorp Variant Classification Summary - May 2015. Collection method: clinical testing. Allele origin: germline.
Comment: Variant summary: TTC37 c.1166delT (p.Leu389TrpfsX31) results in a premature termination codon, predicted to cause a truncation of the encoded protein or absence of the protein due to nonsense mediated decay, which are commonly known mechanisms for disease. Truncations downstream of this position have been associated with Trichohepatoenteric Syndrome in HGMD. The variant was absent in 250834 control chromosomes. To our knowledge, no occurrence of c.1166delT in individuals affected with Trichohepatoenteric Syndrome and no experimental evidence demonstrating its impact on protein function have been reported. One clinical diagnostic laboratory has submitted clinical-significance assessments for this variant to ClinVar after 2014 without evidence for independent evaluation. One laboratory classified the variant as pathogenic. Based on the evidence outlined above, the variant was classified as likely pathogenic.

Literature cited by the submitters: PubMed 20176027 (cited by Labcorp Genetics (formerly Invitae), Labcorp); PubMed 21120949 (cited by Labcorp Genetics (formerly Invitae), Labcorp).